The following is an entry in ClinVar:

NM_183381.3(RNF13):c.892A>G (p.Ser298Gly)

Gene: RNF13 (ring finger protein 13; plus strand). Cytogenetic location: 3q25.1.
Variant type: single nucleotide variant.
Coding change: c.892A>G on transcript NM_183381.3 (MANE Select); coding-DNA position 892, A replaced by G.
Protein change: p.Ser298Gly; replaces serine 298 with glycine.
Molecular consequence: missense variant. On other transcripts: non-coding transcript variant (1).
Genome position (GRCh38, 1-based): chr3:149,960,850, A>G. VCF-style: chr3-149960850-A-G. GRCh37 (hg19) VCF-style: chr3-149678637-A-G.
Other names: c.892A>G, p.Ser298Gly (NM_001378285.1, NM_001378286.1, NM_007282.4); c.535A>G, p.Ser179Gly (NM_001378287.1, NM_001378288.1, NM_001378289.1 and 2 more transcripts); c.499A>G, p.Ser167Gly (NM_001378291.1); short protein forms S167G, S179G, S298G.
Identifiers: ClinVar variation 3620266 (VCV003620266.2).

ClinVar aggregate classification (germline): Uncertain significance (1 of 4 stars; one submission).

gnomAD v4.1: 7 of 1,614,228 alleles (0.00043%); highest among the groups gnomAD compares: South Asian, 0.0011%; no homozygotes.

Submission:

Labcorp Genetics (formerly Invitae), Labcorp
Classification: Uncertain significance. Last evaluated: 2024-07-22. Review status: criteria provided, single submitter. Criteria: Invitae Variant Classification Sherloc (09022015). Collection method: clinical testing. Allele origin: germline.
Comment: This sequence change replaces serine, which is neutral and polar, with glycine, which is neutral and non-polar, at codon 298 of the RNF13 protein (p.Ser298Gly). This variant is present in population databases (rs751371037, gnomAD 0.0009%). This variant has not been reported in the literature in individuals affected with RNF13-related conditions. Advanced modeling of protein sequence and biophysical properties (such as structural, functional, and spatial information, amino acid conservation, physicochemical variation, residue mobility, and thermodynamic stability) performed at Invitae indicates that this missense variant is not expected to disrupt RNF13 protein function with a negative predictive value of 80%. In summary, the available evidence is currently insufficient to determine the role of this variant in disease. Therefore, it has been classified as a Variant of Uncertain Significance.